The following is an entry in ClinVar:

ClinVar aggregate classification (germline): Conflicting classifications of pathogenicity. Review status: criteria provided, conflicting classifications (1 of 4 stars). 2 submissions from 2 submitters: Pathogenic (1); Uncertain significance (1). Last evaluated 2025-07-22.

Conditions:
Familial hemophagocytic lymphohistiocytosis 2 (FHL2). Also called: PRF1-Related Familial Hemophagocytic Lymphohistiocytosis (PRF1-fHLH). Identifiers: Orphanet 540, MedGen C1863727, MONDO:0011337, OMIM 603553.

Submissions (2):

Women's Health and Genetics/Laboratory Corporation of America, LabCorp
Classification: Uncertain significance. Last evaluated: 2025-07-22. Review status: criteria provided, single submitter. Criteria: LabCorp Variant Classification Summary - May 2015. Collection method: clinical testing. Allele origin: germline.
Comment: Variant summary: PRF1 c.724T>G (p.Cys242Gly) results in a non-conservative amino acid change in the encoded protein sequence. Algorithms developed to predict the effect of missense changes on protein structure and function all suggest that this variant is likely to be disruptive. The variant was absent in 251232 control chromosomes. c.724T>G has been observed in the presumed compound heterozygous state in at least 2 individual(s) affected with clinical features of Familial Hemophagocytic Lymphohistiocytosis (Sato_2020, Labcorp Genetics (formerly Invitae)). These data indicate that the variant may be associated with disease. To our knowledge, no experimental evidence demonstrating an impact on protein function has been reported. The following publications have been ascertained in the context of this evaluation (PMID: 31789783, 34938098).ClinVar contains an entry for this variant (Variation ID: 3385259). Based on the evidence outlined above, the variant was classified as VUS-possibly pathogenic.

Labcorp Genetics (formerly Invitae), Labcorp
Classification: Pathogenic for Familial hemophagocytic lymphohistiocytosis 2. Last evaluated: 2024-11-15. Review status: criteria provided, single submitter. Criteria: Invitae Variant Classification Sherloc (09022015). Collection method: clinical testing. Allele origin: germline.
Comment: This sequence change replaces cysteine, which is neutral and slightly polar, with glycine, which is neutral and non-polar, at codon 242 of the PRF1 protein (p.Cys242Gly). This variant is not present in population databases (gnomAD no frequency). This missense change has been observed in individual(s) with autosomal recessive familial hemophagocytic lymphohistiocytosis (PMID: 31789783; internal data). In at least one individual the data is consistent with being in trans (on the opposite chromosome) from a pathogenic variant. Invitae Evidence Modeling of protein sequence and biophysical properties (such as structural, functional, and spatial information, amino acid conservation, physicochemical variation, residue mobility, and thermodynamic stability) indicates that this missense variant is expected to disrupt PRF1 protein function with a positive predictive value of 95%. For these reasons, this variant has been classified as Pathogenic.

Literature cited by the submitters: PubMed 31789783 (cited by Women's Health and Genetics/Laboratory Corporation of America, LabCorp and Labcorp Genetics (formerly Invitae), Labcorp); PubMed 34938098 (cited by Women's Health and Genetics/Laboratory Corporation of America, LabCorp).

NM_001083116.3(PRF1):c.724T>G (p.Cys242Gly)

Gene: PRF1 (perforin 1; minus strand). Cytogenetic location: 10q22.1.
Variant type: single nucleotide variant.
Coding change: c.724T>G on transcript NM_001083116.3 (MANE Select); coding-DNA position 724, T replaced by G.
Protein change: p.Cys242Gly; replaces cysteine 242 with glycine.
Molecular consequence: missense variant.
Genome position (GRCh38, 1-based): chr10:70,598,997, A>C on the plus strand (T>G on the coding strand, the complement: PRF1 is on the minus strand). VCF-style: chr10-70598997-A-C. GRCh37 (hg19) VCF-style: chr10-72358753-A-C.
Other names: c.724T>G, p.Cys242Gly (NM_005041.6); short protein forms C242G.
Identifiers: ClinVar variation 3385259 (VCV003385259.4).
Genomic context (GRCh38, chr10:70,598,997, plus strand): 5'-CCTCGACAGTCAGGCAGTCCTCCACCTCGTTGTCCGTGAGCCCTTCCAGGGCCAGCTCGC[A>C]GGTGCGCAGGGCAGTGAGGGCCGATATGCGGCCACCCAGCTCCACAGCCCGGATGAAGTG-3'
Protein context (NP_001076585.1, residues 232-252): RISALTALRT[Cys242Gly]ELALEGLTDN